The following is an entry in ClinVar:

ClinVar aggregate classification (germline): Pathogenic (1 of 4 stars; one submission).

Conditions:
Hereditary nonpolyposis colorectal neoplasms. Identifiers: MedGen C0009405, MeSH D003123.

Submission:

Labcorp Genetics (formerly Invitae), Labcorp
Classification: Pathogenic for Hereditary nonpolyposis colorectal neoplasms. Last evaluated: 2024-09-15. Review status: criteria provided, single submitter. Criteria: Invitae Variant Classification Sherloc (09022015). Collection method: clinical testing. Allele origin: germline.
Comment: This sequence change creates a premature translational stop signal (p.Pro568Glnfs*27) in the PMS2 gene. It is expected to result in an absent or disrupted protein product. Loss-of-function variants in PMS2 are known to be pathogenic (PMID: 21376568, 24362816). This variant is not present in population databases (gnomAD no frequency). This variant has not been reported in the literature in individuals affected with PMS2-related conditions. For these reasons, this variant has been classified as Pathogenic.

Literature cited by the submitters: PubMed 21376568; PubMed 24362816.

NM_000535.7(PMS2):c.1703del (p.Pro568fs)

Gene: PMS2 (PMS1 homolog 2, mismatch repair system component; minus strand). Cytogenetic location: 7p22.1.
Variant type: Deletion.
Coding change: c.1703del on transcript NM_000535.7 (MANE Select); coding-DNA position 1703, one base deleted (C; older notation c.1703delC).
Protein change: p.Pro568fs; shifts the reading frame from proline 568.
Molecular consequence: frameshift variant. On other transcripts: non-coding transcript variant (1), intron variant (1).
Genome position (GRCh38, 1-based): chr7:5,987,062, G deleted on the plus strand (C on the coding strand, the reverse complement: PMS2 is on the minus strand); the first of 2 consecutive G bases (chr7:5,987,062-5,987,063); deleting either gives the same sequence. VCF-style (leftmost placement, unchanged base first): chr7-5987061-TG-T. GRCh37 (hg19) VCF-style: chr7-6026692-TG-T.
Other names: c.1385del, p.Pro462fs (NM_001406903.1, NM_001322007.2, NM_001322008.2 and 2 more transcripts); c.1190del, p.Pro397fs (NM_001406904.1, NM_001406905.1); c.1142del, p.Pro381fs (NM_001406906.1, NM_001406907.1, NM_001322010.2); c.1298del, p.Pro433fs (NM_001406908.1, NM_001406910.1, NM_001322003.2 and 16 more transcripts); c.1130del, p.Pro377fs (NM_001406909.1, NM_001322013.2); c.932del, p.Pro311fs (NM_001406911.1); c.804-4071del (NM_001406912.1); c.1547del, p.Pro516fs (NM_001322006.2, NM_001406870.1); and 13 more; short protein forms P257fs, P460fs, P462fs, P576fs, P410fs, P512fs, P516fs, P532fs.
Identifiers: ClinVar variation 3661949 (VCV003661949.2).
Genomic context (GRCh38, chr7:5,987,061, plus strand): 5'-AGAACTGGAAAGAATTTCTTCTTTTTTAAAACGCTTTGTGTTTGGGGTTGCGAGATTAGT[TG>T]GCTGAGGCAAAACTCGAAATTTACATCCGGTATCTTCCTGGTTTGAATGGCAGTCCACAT-3'